The following is an entry in ClinVar:

ClinVar aggregate classification (germline): Uncertain significance (1 of 4 stars; one submission).

Conditions:
Tumor predisposition syndrome 3 (TPDS3). Also called: Glioma susceptibility 9; LONG TELOMERE SYNDROME, POT1-RELATED; POT1 Tumor Predisposition; Melanoma, cutaneous malignant, susceptibility to, 10. Identifiers: Orphanet 618, MedGen C4014476, MONDO:0014368, OMIM 615848.

Submission:

Labcorp Genetics (formerly Invitae), Labcorp
Classification: Uncertain significance for Tumor predisposition syndrome 3. Last evaluated: 2023-09-29. Review status: criteria provided, single submitter. Criteria: Invitae Variant Classification Sherloc (09022015). Collection method: clinical testing. Allele origin: germline.
Comment: This sequence change replaces isoleucine, which is neutral and non-polar, with phenylalanine, which is neutral and non-polar, at codon 306 of the POT1 protein (p.Ile306Phe). This variant is not present in population databases (gnomAD no frequency). This variant has not been reported in the literature in individuals affected with POT1-related conditions. ClinVar contains an entry for this variant (Variation ID: 475113). Advanced modeling of protein sequence and biophysical properties (such as structural, functional, and spatial information, amino acid conservation, physicochemical variation, residue mobility, and thermodynamic stability) performed at Invitae indicates that this missense variant is not expected to disrupt POT1 protein function. In summary, the available evidence is currently insufficient to determine the role of this variant in disease. Therefore, it has been classified as a Variant of Uncertain Significance.

NM_015450.3(POT1):c.916A>T (p.Ile306Phe)

Gene: POT1 (protection of telomeres 1; minus strand). Cytogenetic location: 7q31.33.
Variant type: single nucleotide variant.
Coding change: c.916A>T on transcript NM_015450.3 (MANE Select); coding-DNA position 916, A replaced by T.
Protein change: p.Ile306Phe; replaces isoleucine 306 with phenylalanine.
Molecular consequence: missense variant. On other transcripts: non-coding transcript variant (3).
Genome position (GRCh38, 1-based): chr7:124,851,905, T>A on the plus strand (A>T on the coding strand, the complement: POT1 is on the minus strand). VCF-style: chr7-124851905-T-A. GRCh37 (hg19) VCF-style: chr7-124491959-T-A.
Other names: c.523A>T, p.Ile175Phe (NM_001042594.2); short protein forms I306F, I175F.
Identifiers: ClinVar variation 475113 (VCV000475113.9), dbSNP rs1415345156, ClinGen allele CA369054362.
Genomic context (GRCh38, chr7:124,851,905, plus strand): 5'-ACTGTCAATGTTAAAGATTATCCTTACTTGGAAAGCTGTCGTCAGGTTCTGATTGACAGA[T>A]AACATCTGAATGCTGATTGGCTGTCAAATTTGCAGATTCTAAATCCCTATAATTGAAAGA-3'
Protein context (NP_056265.2, residues 296-316): NLTANQHSDV[Ile306Phe]CQSEPDDSFP